The following is an entry in ClinVar:

NM_033109.5(PNPT1):c.867-244A>G

Gene: PNPT1 (polyribonucleotide nucleotidyltransferase 1; minus strand). Cytogenetic location: 2p16.1.
Variant type: single nucleotide variant.
Coding change: c.867-244A>G on transcript NM_033109.5 (MANE Select); 244 bases into the intron before coding-DNA position 867, A replaced by G.
Molecular consequence: intron variant.
Genome position (GRCh38, 1-based): chr2:55,672,290, T>C on the plus strand (A>G on the coding strand, the complement: PNPT1 is on the minus strand). VCF-style: chr2-55672290-T-C. GRCh37 (hg19) VCF-style: chr2-55899425-T-C.
Identifiers: ClinVar variation 671586 (VCV000671586.1), dbSNP rs782630, ClinGen allele CA15154031.

ClinVar aggregate classification (germline): Benign (1 of 4 stars; one submission).

Allele frequency attached by ClinVar (database versions not stated): 1000 Genomes Project 0.32708; 1000 Genomes Project 30x 0.33057; TOPMed 0.43354; gnomAD 0.44510 and 0.45253.
gnomAD v4.1: 67,591 of 152,012 alleles (44%); highest among the groups gnomAD compares: Non-Finnish European, 52%; 15,915 homozygotes.

Submission:

GeneDx
Classification: Benign. Last evaluated: 2018-06-14. Review status: criteria provided, single submitter. Criteria: GeneDx Variant Classification (06012015). Collection method: clinical testing. Allele origin: germline. Affected: yes.
Comment: This variant is considered likely benign or benign based on one or more of the following criteria: it is a conservative change, it occurs at a poorly conserved position in the protein, it is predicted to be benign by multiple in silico algorithms, and/or has population frequency not consistent with disease.